The following is an entry in ClinVar:

NM_001378183.1(PIEZO2):c.3740A>G (p.Asn1247Ser)

Gene: PIEZO2 (piezo type mechanosensitive ion channel component 2; minus strand). Cytogenetic location: 18p11.22.
Variant type: single nucleotide variant.
Coding change: c.3740A>G on transcript NM_001378183.1 (MANE Select); coding-DNA position 3740, A replaced by G.
Protein change: p.Asn1247Ser; replaces asparagine 1247 with serine.
Molecular consequence: missense variant.
Genome position (GRCh38, 1-based): chr18:10,759,499, T>C on the plus strand (A>G on the coding strand, the complement: PIEZO2 is on the minus strand). VCF-style: chr18-10759499-T-C. GRCh37 (hg19) VCF-style: chr18-10759497-T-C.
Other names: c.3740A>G, p.Asn1247Ser (NM_001410871.1); c.3665A>G, p.Asn1222Ser (NM_022068.4); short protein forms N1222S, N1247S.
Identifiers: ClinVar variation 2869630 (VCV002869630.3), dbSNP rs1170193016, ClinGen allele CA401921507.

ClinVar aggregate classification (germline): Uncertain significance (1 of 4 stars; one submission).

Allele frequency attached by ClinVar (database versions not stated): gnomAD exomes below 0.00001; TOPMed below 0.00001.
gnomAD v4.1: 5 of 1,536,950 alleles (0.00033%); highest among the groups gnomAD compares: African/African-American, 0.0014%; no homozygotes.

Submission:

Labcorp Genetics (formerly Invitae), Labcorp
Classification: Uncertain significance. Last evaluated: 2023-04-18. Review status: criteria provided, single submitter. Criteria: Invitae Variant Classification Sherloc (09022015). Collection method: clinical testing. Allele origin: germline.
Comment: This variant has not been reported in the literature in individuals affected with PIEZO2-related conditions. This variant is present in population databases (no rsID available, gnomAD 0.03%). This sequence change replaces asparagine, which is neutral and polar, with serine, which is neutral and polar, at codon 1222 of the PIEZO2 protein (p.Asn1222Ser). In summary, the available evidence is currently insufficient to determine the role of this variant in disease. Therefore, it has been classified as a Variant of Uncertain Significance. Advanced modeling of protein sequence and biophysical properties (such as structural, functional, and spatial information, amino acid conservation, physicochemical variation, residue mobility, and thermodynamic stability) performed at Invitae indicates that this missense variant is not expected to disrupt PIEZO2 protein function.